The following is an entry in ClinVar:

ClinVar aggregate classification (germline): Uncertain significance (1 of 4 stars; one submission).

Allele frequency attached by ClinVar (database versions not stated): ExAC 0.00009; TOPMed 0.00010; gnomAD 0.00011; ESP Exome Variant Server 0.00015.
gnomAD v4.1: 318 of 1,614,006 alleles (0.02%); highest among the groups gnomAD compares: Non-Finnish European, 0.025%; no homozygotes.

Submission:

Labcorp Genetics (formerly Invitae), Labcorp
Classification: Uncertain significance. Last evaluated: 2022-08-22. Review status: criteria provided, single submitter. Criteria: Invitae Variant Classification Sherloc (09022015). Collection method: clinical testing. Allele origin: germline.
Comment: This sequence change replaces serine, which is neutral and polar, with phenylalanine, which is neutral and non-polar, at codon 308 of the FKBP10 protein (p.Ser308Phe). This variant is present in population databases (rs372992209, gnomAD 0.01%). This variant has not been reported in the literature in individuals affected with FKBP10-related conditions. Algorithms developed to predict the effect of missense changes on protein structure and function are either unavailable or do not agree on the potential impact of this missense change (SIFT: "Deleterious"; PolyPhen-2: "Probably Damaging"; Align-GVGD: "Class C15"). In summary, the available evidence is currently insufficient to determine the role of this variant in disease. Therefore, it has been classified as a Variant of Uncertain Significance.

NM_021939.4(FKBP10):c.923C>T (p.Ser308Phe)

Gene: FKBP10 (FKBP prolyl isomerase 10; plus strand). Cytogenetic location: 17q21.2.
Variant type: single nucleotide variant.
Coding change: c.923C>T on transcript NM_021939.4 (MANE Select); coding-DNA position 923, C replaced by T.
Protein change: p.Ser308Phe; replaces serine 308 with phenylalanine.
Molecular consequence: missense variant.
Genome position (GRCh38, 1-based): chr17:41,819,535, C>T. VCF-style: chr17-41819535-C-T. GRCh37 (hg19) VCF-style: chr17-39975787-C-T.
Other names: short protein forms S308F.
Identifiers: ClinVar variation 2064538 (VCV002064538.1), dbSNP rs372992209, ClinGen allele CA8566431.